The following is an entry in ClinVar:

NM_004104.5(FASN):c.1465G>A (p.Glu489Lys)

Gene: FASN (fatty acid synthase; minus strand). Cytogenetic location: 17q25.3.
Variant type: single nucleotide variant.
Coding change: c.1465G>A on transcript NM_004104.5 (MANE Select); coding-DNA position 1465, G replaced by A.
Protein change: p.Glu489Lys; replaces glutamic acid 489 with lysine.
Molecular consequence: missense variant.
Genome position (GRCh38, 1-based): chr17:82,091,249, C>T on the plus strand (G>A on the coding strand, the complement: FASN is on the minus strand). VCF-style: chr17-82091249-C-T. GRCh37 (hg19) VCF-style: chr17-80049125-C-T.
Other names: short protein forms E489K.
Identifiers: ClinVar variation 462005 (VCV000462005.13), dbSNP rs62642482, ClinGen allele CA8853160.

ClinVar aggregate classification (germline): Benign. Review status: criteria provided, single submitter (1 of 4 stars). 2 submissions from 2 submitters: Benign (1). 1 of the submissions does not count toward it. Last evaluated 2025-12-30.

Conditions:
FASN-related disorder. Also called: FASN-related condition.
Epileptic encephalopathy. Identifiers: MedGen C0543888, HP:0200134.

Allele frequency attached by ClinVar (database versions not stated): TOPMed 0.00126; gnomAD exomes 0.00131 and 0.00078; gnomAD 0.00133 and 0.00139; ESP Exome Variant Server 0.00147; ExAC 0.00166; 1000 Genomes Project 30x 0.00219; 1000 Genomes Project 0.00220.
gnomAD v4.1: 1,324 of 1,600,482 alleles (0.083%); highest among the groups gnomAD compares: South Asian, 0.64%; 6 homozygotes.

Submissions (2):

Labcorp Genetics (formerly Invitae), Labcorp
Classification: Benign for Epileptic encephalopathy. Last evaluated: 2025-12-30. Review status: criteria provided, single submitter. Criteria: Invitae Variant Classification Sherloc (09022015). Collection method: clinical testing. Allele origin: germline.

PreventionGenetics, part of Exact Sciences
Classification: Benign for FASN-related condition. Last evaluated: 2020-06-10. Review status: no assertion criteria provided. Collection method: clinical testing. Allele origin: germline. Not counted in ClinVar's aggregate classification.
Comment: This variant is classified as benign based on ACMG/AMP sequence variant interpretation guidelines (Richards et al. 2015 PMID: 25741868, with internal and published modifications).